The following is an entry in ClinVar:

ClinVar aggregate classification (germline): Pathogenic (1 of 4 stars; one submission).

Conditions:
Facioscapulohumeral muscular dystrophy 2 (FSHD2). Also called: FACIOSCAPULOHUMERAL MUSCULAR DYSTROPHY 2, DIGENIC; FSHD2, DIGENIC; MUSCULAR DYSTROPHY, FACIOSCAPULOHUMERAL, TYPE 1B. Identifiers: Orphanet 269, MedGen C1834671, MONDO:0008031, OMIM 158901.

Submission:

Labcorp Genetics (formerly Invitae), Labcorp
Classification: Pathogenic for Facioscapulohumeral muscular dystrophy 2. Last evaluated: 2025-05-05. Review status: criteria provided, single submitter. Criteria: Invitae Variant Classification Sherloc (09022015). Collection method: clinical testing. Allele origin: germline.
Comment: This sequence change creates a premature translational stop signal (p.Thr1303Asnfs*4) in the SMCHD1 gene. It is expected to result in an absent or disrupted protein product. Loss-of-function variants in SMCHD1 are known to be pathogenic (PMID: 23143600). This variant is not present in population databases (gnomAD no frequency). This variant has not been reported in the literature in individuals affected with SMCHD1-related conditions. For these reasons, this variant has been classified as Pathogenic.

Literature cited by the submitters: PubMed 23143600.

NM_015295.3(SMCHD1):c.3907dup (p.Thr1303fs)

Gene: SMCHD1 (structural maintenance of chromosomes flexible hinge domain containing 1; plus strand). Cytogenetic location: 18p11.32.
Variant type: Duplication.
Coding change: c.3907dup on transcript NM_015295.3 (MANE Select); coding-DNA position 3907, one base duplicated (A; older notation c.3907dupA).
Protein change: p.Thr1303fs; shifts the reading frame from threonine 1303.
Molecular consequence: frameshift variant.
Genome position (GRCh38, 1-based): chr18:2,747,627, A duplicated. VCF-style (leftmost placement, unchanged base first): chr18-2747626-T-TA. GRCh37 (hg19) VCF-style: chr18-2747624-T-TA.
Other names: short protein forms T1303fs.
Identifiers: ClinVar variation 4719010 (VCV004719010.1).
Genomic context (GRCh38, chr18:2,747,626, plus strand): 5'-TGTTCAACTTTGTGATCAGTGGGATAATCCAGCACCGGTACAACATGTTAAAATAAGTCT[T>TA]ACAAAAGCTAGCAATTTAAAGGTAAGTTTTAAACTTCCTTACATCTTCATTTAAAATTCT-3'